The following is an entry in ClinVar:

NM_199420.4(POLQ):c.577A>G (p.Arg193Gly)

Gene: POLQ (DNA polymerase theta; minus strand). Cytogenetic location: 3q13.33.
Variant type: single nucleotide variant.
Coding change: c.577A>G on transcript NM_199420.4 (MANE Select); coding-DNA position 577, A replaced by G.
Protein change: p.Arg193Gly; replaces arginine 193 with glycine.
Molecular consequence: missense variant.
Genome position (GRCh38, 1-based): chr3:121,539,487, T>C on the plus strand (A>G on the coding strand, the complement: POLQ is on the minus strand). VCF-style: chr3-121539487-T-C. GRCh37 (hg19) VCF-style: chr3-121258334-T-C.
Other names: short protein forms R193G.
Identifiers: ClinVar variation 2625865 (VCV002625865.2), dbSNP rs2546824521, ClinGen allele CA354091091.

ClinVar aggregate classification (germline): Uncertain significance (1 of 4 stars; one submission).

Submission:

Ambry Genetics
Classification: Uncertain significance. Last evaluated: 2023-08-30. Review status: criteria provided, single submitter. Criteria: Ambry Variant Classification Scheme 2023. Collection method: clinical testing. Allele origin: germline.
Comment: The p.R193G variant (also known as c.577A>G), located in coding exon 4 of the POLQ gene, results from an A to G substitution at nucleotide position 577. The arginine at codon 193 is replaced by glycine, an amino acid with dissimilar properties. This amino acid position is conserved. In addition, the in silico prediction for this alteration is inconclusive. Since supporting evidence is limited at this time, the clinical significance of this alteration remains unclear.